The following is an entry in ClinVar:

NM_001330288.2(SMARCC2):c.2191T>C (p.Phe731Leu)

Gene: SMARCC2 (SWI/SNF related BAF chromatin remodeling complex subunit C2; minus strand). Cytogenetic location: 12q13.2.
Variant type: single nucleotide variant.
Coding change: c.2191T>C on transcript NM_001330288.2 (MANE Select); coding-DNA position 2191, T replaced by C.
Protein change: p.Phe731Leu; replaces phenylalanine 731 with leucine.
Molecular consequence: missense variant.
Genome position (GRCh38, 1-based): chr12:56,171,427, A>G on the plus strand (T>C on the coding strand, the complement: SMARCC2 is on the minus strand). VCF-style: chr12-56171427-A-G. GRCh37 (hg19) VCF-style: chr12-56565211-A-G.
Other names: c.2191T>C, p.Phe731Leu (NM_001130420.3, NM_139067.4); c.2098T>C, p.Phe700Leu (NM_003075.5); short protein forms F700L, F731L.
Identifiers: ClinVar variation 4686232 (VCV004686232.1).

ClinVar aggregate classification (germline): Uncertain significance (1 of 4 stars; one submission).

Submission:

GeneDx
Classification: Uncertain significance. Last evaluated: 2025-07-17. Review status: criteria provided, single submitter. Criteria: GeneDx Variant Classification Process June 2021. Collection method: clinical testing. Allele origin: germline. Affected: yes.
Comment: Not observed at significant frequency in large population cohorts (gnomAD); In silico analysis supports that this missense variant has a deleterious effect on protein structure/function; Has not been previously published as pathogenic or benign to our knowledge